The following is an entry in ClinVar:

ClinVar aggregate classification (germline): Benign (1 of 4 stars; one submission).

Allele frequency attached by ClinVar (database versions not stated): 1000 Genomes Project 0.56749; 1000 Genomes Project 30x 0.57121; gnomAD 0.59465; TOPMed 0.61746.

Submission:

Unidad de Genómica Garrahan, Hospital de Pediatría Garrahan
Classification: Benign. Last evaluated: 2024-01-24. Review status: criteria provided, single submitter. Criteria: ACMG Guidelines, 2015. Collection method: clinical testing. Allele origin: germline. Affected: no. Observed: 80 variant alleles.
Comment: This variant is classified as Benign based on local population frequency. This variant was detected in 91% of patients studied by a panel of primary immunodeficiencies. Number of patients: 80. Only high quality variants are reported.

NM_000565.4(IL6R):c.808-105T>C

Gene: IL6R (interleukin 6 receptor; plus strand). Cytogenetic location: 1q21.3.
Variant type: single nucleotide variant.
Coding change: c.808-105T>C on transcript NM_000565.4 (MANE Select); 105 bases into the intron before coding-DNA position 808, T replaced by C.
Molecular consequence: intron variant.
Genome position (GRCh38, 1-based): chr1:154,435,864, T>C. VCF-style: chr1-154435864-T-C. GRCh37 (hg19) VCF-style: chr1-154408340-T-C.
Other names: c.808-105T>C (NM_001382771.1, NM_001382773.1, NM_001382770.1 and 3 more transcripts); c.808-111T>C (NM_001382772.1); c.448-105T>C (NM_001382774.1).
Identifiers: ClinVar variation 2688523 (VCV002688523.2), dbSNP rs4845371, ClinGen allele CA10739564.